The following is an entry in ClinVar:

ClinVar aggregate classification (germline): Uncertain significance (1 of 4 stars; one submission).

gnomAD v4.1: 1 of 1,612,774 alleles (0.000062%); highest among the groups gnomAD compares: East Asian, 0.0022%; no homozygotes.

Submission:

Labcorp Genetics (formerly Invitae), Labcorp
Classification: Uncertain significance. Last evaluated: 2025-07-29. Review status: criteria provided, single submitter. Criteria: Invitae Variant Classification Sherloc (09022015). Collection method: clinical testing. Allele origin: germline.
Comment: This sequence change replaces glycine, which is neutral and non-polar, with valine, which is neutral and non-polar, at codon 137 of the LIPI protein (p.Gly137Val). This variant is present in population databases (rs201462167, gnomAD 0.006%). This variant has not been reported in the literature in individuals affected with LIPI-related conditions. An algorithm developed to predict the effect of missense changes on protein structure and function (PolyPhen-2) suggests that this variant is likely to be disruptive. In summary, the available evidence is currently insufficient to determine the role of this variant in disease. Therefore, it has been classified as a Variant of Uncertain Significance.

NM_001302998.2(LIPI):c.347G>T (p.Gly116Val)

Gene: LIPI (lipase I; minus strand). Cytogenetic location: 21q11.2.
Variant type: single nucleotide variant.
Coding change: c.347G>T on transcript NM_001302998.2 (MANE Select); coding-DNA position 347, G replaced by T.
Protein change: p.Gly116Val; replaces glycine 116 with valine.
Molecular consequence: missense variant. On other transcripts: intron variant (1).
Genome position (GRCh38, 1-based): chr21:14,189,119, C>A on the plus strand (G>T on the coding strand, the complement: LIPI is on the minus strand). VCF-style: chr21-14189119-C-A. GRCh37 (hg19) VCF-style: chr21-15561440-C-A.
Other names: c.347G>T, p.Gly116Val (NM_001302999.2, NM_001303000.2, NM_001303001.2 and 1 more transcripts); c.212G>T, p.Gly71Val (NM_198996.4); c.47-7260G>T (NM_001379566.1); short protein forms G116V, G71V.
Identifiers: ClinVar variation 4714165 (VCV004714165.1).